The following is an entry in ClinVar:

NM_004830.4(MED23):c.3701T>C (p.Val1234Ala)

Gene: MED23 (mediator complex subunit 23; minus strand). Cytogenetic location: 6q23.2.
Variant type: single nucleotide variant.
Coding change: c.3701T>C on transcript NM_004830.4 (MANE Select); coding-DNA position 3701, T replaced by C.
Protein change: p.Val1234Ala; replaces valine 1234 with alanine.
Molecular consequence: missense variant.
Genome position (GRCh38, 1-based): chr6:131,590,428, A>G on the plus strand (T>C on the coding strand, the complement: MED23 is on the minus strand). VCF-style: chr6-131590428-A-G. GRCh37 (hg19) VCF-style: chr6-131911568-A-G.
Other names: c.3701T>C, p.Val1234Ala (NM_001270521.2, NM_001270522.2); c.3719T>C, p.Val1240Ala (NM_015979.4); short protein forms V1240A, V1234A.
Identifiers: ClinVar variation 589595 (VCV000589595.5), dbSNP rs944035388, ClinGen allele CA147905187.
Genomic context (GRCh38, chr6:131,590,428, plus strand): 5'-GGTCCAACAAGATGGTATACATAAAGCAACTGGAATTCGGTCTTCACTATAGGAAGAAGT[A>G]CTTCAGTAAGAAACCTAAAATTTGAAGATAAAAATCTCCTGTGACTTGAAATTATTTAAA-3'
Protein context (NP_004821.2, residues 1224-1244): LSLIPKFLTE[Val1234Ala]LLPIVKTEFQ

ClinVar aggregate classification (germline): Uncertain significance (1 of 4 stars; one submission).

Conditions:
Inborn genetic diseases. Identifiers: MedGen C0950123, MeSH D030342.

Allele frequency attached by ClinVar (database versions not stated): gnomAD exomes below 0.00001; gnomAD 0.00001; TOPMed 0.00003.
gnomAD v4.1: 2 of 1,604,532 alleles (0.00012%); highest among the groups gnomAD compares: African/African-American, 0.0027%; no homozygotes.

Submission:

Ambry Genetics
Classification: Uncertain significance for Inborn genetic diseases. Last evaluated: 2017-04-06. Review status: criteria provided, single submitter. Criteria: Ambry Variant Classification Scheme 2023. Collection method: clinical testing. Allele origin: germline.
Comment: The p.V1240A variant (also known as c.3719T>C), located in coding exon 28 of the MED23 gene, results from a T to C substitution at nucleotide position 3719. The valine at codon 1240 is replaced by alanine, an amino acid with similar properties. This amino acid position is not well conserved in available vertebrate species. In addition, this alteration is predicted to be tolerated by in silico analysis. Since supporting evidence is limited at this time, the clinical significance of this alteration remains unclear.